The following is an entry in ClinVar:

NM_000051.4(ATM):c.1881_1882delinsAA (p.Phe627_Gln628delinsLeuLys)

Gene: ATM (ATM serine/threonine kinase; plus strand). Cytogenetic location: 11q22.3.
Variant type: Indel.
Coding change: c.1881_1882delinsAA on transcript NM_000051.4 (MANE Select); coding-DNA positions 1881 to 1882, CC replaced by AA.
Protein change: p.Phe627_Gln628delinsLeuLys.
Molecular consequence: missense variant.
Genome position (GRCh38, 1-based): chr11:108,252,895-108,252,896, CC replaced by AA. VCF-style: chr11-108252895-CC-AA. GRCh37 (hg19) VCF-style: chr11-108123622-CC-AA.
Other names: c.1881_1882delinsAA, p.Phe627_Gln628delinsLeuLys (NM_001351834.2).
Identifiers: ClinVar variation 4168477 (VCV004168477.2).

ClinVar aggregate classification (germline): Uncertain significance. Review status: criteria provided, multiple submitters, no conflicts (2 of 4 stars). 2 submissions from 2 submitters: Uncertain significance (2). Last evaluated 2025-10-07.

Conditions:
Hereditary cancer-predisposing syndrome. Also called: Neoplastic Syndromes, Hereditary; Tumor predisposition; Hereditary Cancer Syndrome; Hereditary neoplastic syndrome. Identifiers: Orphanet 140162, MedGen C0027672, MeSH D009386, MONDO:0015356.
Ataxia-telangiectasia syndrome (AT). Also called: ATAXIA-TELANGIECTASIA, COMPLEMENTATION GROUP A; ATAXIA-TELANGIECTASIA, FRESNO VARIANT; Ataxia-telangiectasia; Ataxia telangiectasia (A-T); Ataxia-telangiectasia, complementation group D; AT, COMPLEMENTATION GROUP C. Identifiers: Orphanet 100, MedGen C0004135, MONDO:0008840, OMIM 208900.

Submissions (2):

Labcorp Genetics (formerly Invitae), Labcorp
Classification: Uncertain significance for Ataxia-telangiectasia syndrome. Last evaluated: 2025-10-07. Review status: criteria provided, single submitter. Criteria: Invitae Variant Classification Sherloc (09022015). Collection method: clinical testing. Allele origin: germline.
Comment: This variant, c.1881_1882delinsAA, is a complex sequence change that results in the deletion of 2 and insertion of 2 amino acid(s) in the ATM protein (p.Phe627_Gln628delinsLeuLys). Information on the frequency of this variant in the gnomAD database is not available, as this variant may be reported differently in the database. This variant has not been reported in the literature in individuals affected with ATM-related conditions. Experimental studies and prediction algorithms are not available or were not evaluated, and the functional significance of this variant is currently unknown. In summary, the available evidence is currently insufficient to determine the role of this variant in disease. Therefore, it has been classified as a Variant of Uncertain Significance.

Ambry Genetics
Classification: Uncertain significance for Hereditary cancer-predisposing syndrome. Last evaluated: 2025-06-24. Review status: criteria provided, single submitter. Criteria: Ambry Variant Classification Scheme 2023. Collection method: clinical testing. Allele origin: germline.
Comment: The c.1881_1882delCCinsAA variant (also known as p.F627_Q628delinsLK), located in coding exon 11 of the ATM gene, results from an in-frame deletion of CC and insertion of AA at nucleotide positions 1881 to 1882. This results in the deletion of two amino acids (FQ) and the insertion of two amino acids (LK) at codons 627 to 628. This amino acid region is well conserved in available vertebrate species. In addition, this variant is predicted to be neutral by in silico analysis (Choi Y et al. PLoS ONE. 2012; 7(10):e46688). Based on the available evidence, the clinical significance of this variant remains unclear.